The following is an entry in ClinVar:

NM_000057.4(BLM):c.536G>A (p.Arg179Lys)

Gene: BLM (BLM RecQ like helicase; plus strand). Cytogenetic location: 15q26.1.
Variant type: single nucleotide variant.
Coding change: c.536G>A on transcript NM_000057.4 (MANE Select); coding-DNA position 536, G replaced by A.
Protein change: p.Arg179Lys; replaces arginine 179 with lysine.
Molecular consequence: missense variant. On other transcripts: 5 prime UTR variant (1).
Genome position (GRCh38, 1-based): chr15:90,749,804, G>A. VCF-style: chr15-90749804-G-A. GRCh37 (hg19) VCF-style: chr15-91293034-G-A.
Other names: c.536G>A, p.Arg179Lys (NM_001287246.2, NM_001287247.2); c.-756G>A (NM_001287248.2); short protein forms R179K.
Identifiers: ClinVar variation 5008939 (VCV005008939.1).
Genomic context (GRCh38, chr15:90,749,804, plus strand): 5'-ACTTTGATACTTCTGAGACTTCAAAATCATTTGTTACACCACCCCAAAGTCACTTTGTAA[G>A]AGTAAGCACTGCTCAGAAATCAAAAAAGGGTAAGAGAAACTTTTTTAAAGCACAGCTTTA-3'
Protein context (NP_000048.1, residues 169-189): FVTPPQSHFV[Arg179Lys]VSTAQKSKKG

ClinVar aggregate classification (germline): Uncertain significance (1 of 4 stars; one submission).

Submission:

GeneDx
Classification: Uncertain significance. Last evaluated: 2026-03-18. Review status: criteria provided, single submitter. Criteria: GeneDx Variant Classification Process June 2021. Collection method: clinical testing. Allele origin: germline.
Comment: Not observed at significant frequency in large population cohorts (gnomAD); In silico analysis suggests that this missense variant does not alter protein structure/function; Has not been previously published as pathogenic or benign to our knowledge